The following is an entry in ClinVar:

ClinVar aggregate classification (germline): Pathogenic (1 of 4 stars; one submission).

Conditions:
Neurodevelopmental delay. Identifiers: MedGen C4022738, HP:0012758.

Submission:

Oasi Research Institute-IRCCS
Classification: Pathogenic for Neurodevelopmental delay. Last evaluated: 2025-02-03. Review status: criteria provided, single submitter. Criteria: ACMG Guidelines, 2015. Collection method: case-control. Allele origin: germline. Inheritance: X-linked inheritance. Affected: yes. Observed: 4 variant alleles, 2 heterozygotes, 2 hemizygotes.
Comment: We analyzed a family in which two male siblings presented with severe neurodevelopmental and motor coordination disorders, while the mother and daughter exhibited mild learning disabilities. Whole exome sequencing (WES) identified a pathogenic variant in the CAPN6 gene, found in hemizygous condition in the affected brothers and in heterozygous condition in the mother and daughter. The variant was classified as likely pathogenic according to ACMG criteria (PS4, PM2, PP1) and resulted in truncation of the CAPN6 protein within Domain III, a region critical for interaction with VEGF. In-silico protein structure prediction (Alphafold algorithm) revealed significant alterations in the mutated CAPN6 protein and its interaction with VEGF, caused by the identified mutation. Furthermore, according to GnomAD database, the variant displays a very low allele frequency (0.000001651).

NM_014289.4(CAPN6):c.1088_1089del (p.Asp363fs)

Gene: CAPN6 (calpain 6; minus strand). Cytogenetic location: Xq23.
Variant type: Deletion.
Coding change: c.1088_1089del on transcript NM_014289.4 (MANE Select); coding-DNA positions 1088 to 1089, 2 bases deleted (AT; older notation c.1088_1089delAT).
Protein change: p.Asp363fs; shifts the reading frame from aspartic acid 363.
Molecular consequence: frameshift variant.
Genome position (GRCh38, 1-based): chrX:111,250,986-111,250,987, AT deleted on the plus strand (AT on the coding strand, the reverse complement: CAPN6 is on the minus strand). VCF-style (leftmost placement, unchanged base first): chrX-111250985-CAT-C. GRCh37 (hg19) VCF-style: chrX-110494213-CAT-C.
Other names: short protein forms D363fs.
Identifiers: ClinVar variation 3766451 (VCV003766451.2).
Genomic context (GRCh38, chrX:111,250,985, plus strand): 5'-TCTGCAGGAAGGTATCACGGTTGTTATAGCAGCCTCCTGAGCGGTTCATCAGGGGATCAT[CAT>C]CCACAGTCCAGCATCCCAACACCGATTCCAGCTCCTTTCGGCCAAAAATAGGGTTGTTCA-3'